The following is an entry in ClinVar:

NM_005157.6(ABL1):c.1073A>C (p.Asn358Thr)

Gene: ABL1 (ABL proto-oncogene 1, non-receptor tyrosine kinase; plus strand). Cytogenetic location: 9q34.12.
Variant type: single nucleotide variant.
Coding change: c.1073A>C on transcript NM_005157.6 (MANE Select); coding-DNA position 1073, A replaced by C.
Protein change: p.Asn358Thr; replaces asparagine 358 with threonine.
Molecular consequence: missense variant.
Genome position (GRCh38, 1-based): chr9:130,873,025, A>C. VCF-style: chr9-130873025-A-C. GRCh37 (hg19) VCF-style: chr9-133748412-A-C.
Other names: c.1130A>C, p.Asn377Thr (NM_007313.3); short protein forms N358T, N377T.
Identifiers: ClinVar variation 2695506 (VCV002695506.3), dbSNP rs2490717922, ClinGen allele CA375249699.

ClinVar aggregate classification (germline): Uncertain significance (1 of 4 stars; one submission).

Submission:

Labcorp Genetics (formerly Invitae), Labcorp
Classification: Uncertain significance. Last evaluated: 2023-11-13. Review status: criteria provided, single submitter. Criteria: Invitae Variant Classification Sherloc (09022015). Collection method: clinical testing. Allele origin: germline.
Comment: This sequence change replaces asparagine, which is neutral and polar, with threonine, which is neutral and polar, at codon 377 of the ABL1 protein (p.Asn377Thr). This variant is not present in population databases (gnomAD no frequency). This variant has not been reported in the literature in individuals affected with ABL1-related conditions. Advanced modeling of protein sequence and biophysical properties (such as structural, functional, and spatial information, amino acid conservation, physicochemical variation, residue mobility, and thermodynamic stability) performed at Invitae indicates that this missense variant is expected to disrupt ABL1 protein function with a positive predictive value of 80%. In summary, the available evidence is currently insufficient to determine the role of this variant in disease. Therefore, it has been classified as a Variant of Uncertain Significance.